The following is an entry in ClinVar:

ClinVar aggregate classification (germline): Uncertain significance (1 of 4 stars; one submission).

Conditions:
KBG syndrome (KBGS). Also called: ANKRD11-Related KBG Syndrome. Identifiers: Orphanet 2332, MedGen C0220687, MONDO:0007846, OMIM 148050.

gnomAD v4.1: 8 of 1,570,978 alleles (0.00051%); highest among the groups gnomAD compares: East Asian, 0.0045%; no homozygotes.

Submission:

Labcorp Genetics (formerly Invitae), Labcorp
Classification: Uncertain significance for KBG syndrome. Last evaluated: 2025-11-11. Review status: criteria provided, single submitter. Criteria: Invitae Variant Classification Sherloc (09022015). Collection method: clinical testing. Allele origin: germline.
Comment: This sequence change replaces glycine, which is neutral and non-polar, with arginine, which is basic and polar, at codon 2040 of the ANKRD11 protein (p.Gly2040Arg). This variant is present in population databases (rs772993940, gnomAD 0.007%). This variant has not been reported in the literature in individuals affected with ANKRD11-related conditions. ClinVar contains an entry for this variant (Variation ID: 3713340). Invitae Evidence Modeling of protein sequence and biophysical properties (such as structural, functional, and spatial information, amino acid conservation, physicochemical variation, residue mobility, and thermodynamic stability) indicates that this missense variant is not expected to disrupt ANKRD11 protein function with a negative predictive value of 95%. In summary, the available evidence is currently insufficient to determine the role of this variant in disease. Therefore, it has been classified as a Variant of Uncertain Significance.

NM_013275.6(ANKRD11):c.6118G>A (p.Gly2040Arg)

Gene: ANKRD11 (ankyrin repeat domain 11; minus strand). Cytogenetic location: 16q24.3.
Variant type: single nucleotide variant.
Coding change: c.6118G>A on transcript NM_013275.6 (MANE Select); coding-DNA position 6118, G replaced by A.
Protein change: p.Gly2040Arg; replaces glycine 2040 with arginine.
Molecular consequence: missense variant.
Genome position (GRCh38, 1-based): chr16:89,280,424, C>T on the plus strand (G>A on the coding strand, the complement: ANKRD11 is on the minus strand). VCF-style: chr16-89280424-C-T. GRCh37 (hg19) VCF-style: chr16-89346832-C-T.
Other names: c.6118G>A, p.Gly2040Arg (NM_001256182.2, NM_001256183.2); short protein forms G2040R.
Identifiers: ClinVar variation 3713340 (VCV003713340.2).
Genomic context (GRCh38, chr16:89,280,424, plus strand): 5'-AGGGAGGGGCGTAGGGAGCCGCCTCTGAGGTGGAGATGGCGGCGGGGACGGCGTCCACTC[C>T]GTCCTTGACGTCCTCCAGCCCCGGCTCAGCGACGGGCAGAGCGTACGGGGCAGGAGAGGC-3'
Protein context (NP_037407.4, residues 2030-2050): AEPGLEDVKD[Gly2040Arg]VDAVPAAIST